The following is an entry in ClinVar:

NM_000169.3(GLA):c.548-1G>T

Genes: GLA (galactosidase alpha; minus strand), RPL36A-HNRNPH2 (RPL36A-HNRNPH2 readthrough; plus strand). Cytogenetic location: Xq22.1.
Variant type: single nucleotide variant.
Coding change: c.548-1G>T on transcript NM_000169.3 (MANE Select); the canonical splice acceptor site of the intron before coding-DNA position 548, G replaced by T.
Molecular consequence: splice acceptor variant. On other transcripts: intron variant (2).
Genome position (GRCh38, 1-based): chrX:101,400,758, C>A on the plus strand (G>T on the coding strand, the complement: GLA is on the minus strand). VCF-style: chrX-101400758-C-A. GRCh37 (hg19) VCF-style: chrX-100655746-C-A.
Other names: c.300+5301C>A (NM_001199973.2); c.177+8936C>A (NM_001199974.2); c.671-1G>T (NM_001406747.1); c.548-1G>T (NM_001406748.1).
Identifiers: ClinVar variation 4087214 (VCV004087214.2).
Genomic context (GRCh38, chrX:101,400,758, plus strand): 5'-CACAGGAGTACACAATGCTTCTGCCAGTCCTATTCAGGGCCAAGGACATGTGCTTATAAC[C>A]TGTATGAGAAAACAATGGGTAAAATAAGGGAAAGAAATGAATTTCCAGCTGGGGCTATAT-3'

ClinVar aggregate classification (germline): Pathogenic (1 of 4 stars; one submission).

Conditions:
Fabry disease. Also called: ALPHA-GALACTOSIDASE A DEFICIENCY; ANDERSON-FABRY DISEASE; CERAMIDE TRIHEXOSIDASE DEFICIENCY; GLA DEFICIENCY; HEREDITARY DYSTOPIC LIPIDOSIS; Angiokeratoma corporis diffusum. Identifiers: Orphanet 324, MedGen C0002986, MONDO:0010526, OMIM 301500, HP:0001071. Disease mechanism: Fabry disease is due to inactivating mutations in the X-linked GLA gene resulting in deficiency of the enzyme Alpha Galactosidase-A., loss of function.

Submission:

Genomenon, Inc
Classification: Pathogenic for Fabry disease. Last evaluated: 2026-09-08. Review status: criteria provided, single submitter. Criteria: Genomenon Sequence Variant Interpretation Standards - Updated. Collection method: curation. Allele origin: germline. Affected: yes.
Comment: GLA c.548-1G>T is a canonical splice variant affecting the acceptor splice site of intron 3. It is predicted to affect mRNA splicing, leading to a deleterious effect on the GLA protein. This variant has been observed in at least one proband with clinical features consistent with Fabry disease (PMID:8069316). It is absent or not present at a significant frequency in gnomAD. In conclusion, we classify GLA c.548-1G>T as a pathogenic variant.

Literature cited by the submitters: PubMed 8069316.